The following is an entry in ClinVar:

ClinVar aggregate classification (germline): Uncertain significance (1 of 4 stars; one submission).

Conditions:
Aicardi-Goutieres syndrome 7 (AGS7). Identifiers: Orphanet 51, MedGen C3888244, MONDO:0014367, OMIM 615846.
Singleton-Merten syndrome 1 (SGMRT1). Also called: Widened medullary cavities of bone, aortic calcification, abnormal dentition, and muscular weakness; Syndrome of widened medullary cavities of the metacarpals and phalanges, aortic calcification and abnormal dentition. Identifiers: Orphanet 85191, MedGen C4225427, MONDO:0024535, OMIM 182250.

gnomAD v4.1: 1 of 1,613,828 alleles (0.000062%); highest among the groups gnomAD compares: Non-Finnish European, 0.000085%; no homozygotes.

Submission:

Labcorp Genetics (formerly Invitae), Labcorp
Classification: Uncertain significance for Aicardi-Goutieres syndrome 7; Singleton-Merten syndrome 1. Last evaluated: 2025-09-06. Review status: criteria provided, single submitter. Criteria: Invitae Variant Classification Sherloc (09022015). Collection method: clinical testing. Allele origin: germline.
Comment: This sequence change replaces glycine, which is neutral and non-polar, with aspartic acid, which is acidic and polar, at codon 239 of the IFIH1 protein (p.Gly239Asp). This variant is not present in population databases (gnomAD no frequency). This missense change has been observed in individual(s) with a neurodevelopmental disorder, autism, and/or congenital hydrocephalus (PMID: 33057194, 33077954, 35982159). An algorithm developed to predict the effect of missense changes on protein structure and function outputs the following: PolyPhen-2: "Benign". The aspartic acid amino acid residue is found in multiple mammalian species, which suggests that this missense change does not adversely affect protein function. In summary, the available evidence is currently insufficient to determine the role of this variant in disease. Therefore, it has been classified as a Variant of Uncertain Significance.

Literature cited by the submitters: PubMed 33057194; PubMed 33077954; PubMed 35982159.

NM_022168.4(IFIH1):c.716G>A (p.Gly239Asp)

Gene: IFIH1 (interferon induced with helicase C domain 1; minus strand). Cytogenetic location: 2q24.2.
Variant type: single nucleotide variant.
Coding change: c.716G>A on transcript NM_022168.4 (MANE Select); coding-DNA position 716, G replaced by A.
Protein change: p.Gly239Asp; replaces glycine 239 with aspartic acid.
Molecular consequence: missense variant.
Genome position (GRCh38, 1-based): chr2:162,306,762, C>T on the plus strand (G>A on the coding strand, the complement: IFIH1 is on the minus strand). VCF-style: chr2-162306762-C-T. GRCh37 (hg19) VCF-style: chr2-163163272-C-T.
Other names: short protein forms G239D.
Identifiers: ClinVar variation 4791936 (VCV004791936.1).